The following is an entry in ClinVar:

ClinVar aggregate classification (germline): Uncertain significance (1 of 4 stars; one submission).

Conditions:
COL6A3-related disorder. Also called: COL6A3-related disorders; COL6A3-related condition.

gnomAD v4.1: 1 of 1,614,230 alleles (0.000062%); highest among the groups gnomAD compares: Non-Finnish European, 0.000085%; no homozygotes.

Submission:

PreventionGenetics, part of Exact Sciences
Classification: Uncertain significance for COL6A3-related condition. Last evaluated: 2025-12-04. Review status: criteria provided, single submitter. Criteria: ACMG Guidelines, 2015. Collection method: clinical testing. Allele origin: germline.
Comment: The COL6A3 c.2896A>G variant is predicted to result in the amino acid substitution p.Ser966Gly. To our knowledge, this variant has not been reported in the literature. This variant is reported in 0.00088% of alleles in individuals of European (Non-Finnish) descent in gnomAD. At this time, the clinical significance of this variant is uncertain due to the absence of conclusive functional and genetic evidence.

NM_004369.4(COL6A3):c.2896A>G (p.Ser966Gly)

Gene: COL6A3 (collagen type VI alpha 3 chain; minus strand). Cytogenetic location: 2q37.3.
Variant type: single nucleotide variant.
Coding change: c.2896A>G on transcript NM_004369.4 (MANE Select); coding-DNA position 2896, A replaced by G.
Protein change: p.Ser966Gly; replaces serine 966 with glycine.
Molecular consequence: missense variant.
Genome position (GRCh38, 1-based): chr2:237,376,946, T>C on the plus strand (A>G on the coding strand, the complement: COL6A3 is on the minus strand). VCF-style: chr2-237376946-T-C. GRCh37 (hg19) VCF-style: chr2-238285589-T-C.
Other names: c.1675A>G, p.Ser559Gly (NM_057164.5); c.2278A>G, p.Ser760Gly (NM_057165.5, NM_057167.4); c.1075A>G, p.Ser359Gly (NM_057166.5); short protein forms S559G, S966G, S760G, S359G.
Identifiers: ClinVar variation 4983619 (VCV004983619.1).
Genomic context (GRCh38, chr2:237,376,946, plus strand): 5'-TCTGCTCTAACTCAGCAGGGTCTGCGTTCTTGGCTTGGAAGATGAAAGGCACAACCCCAC[T>C]CTGCTTCAGGTTACTTGCTGGCCCATCCACACGGTCAGATGACCTTCCTGCGACCAGCAG-3'
Protein context (NP_004360.2, residues 956-976): VDGPASNLKQ[Ser966Gly]GVVPFIFQAK